The following is an entry in ClinVar:

NM_016247.4(IMPG2):c.2912T>G (p.Val971Gly)

Gene: IMPG2 (interphotoreceptor matrix proteoglycan 2; minus strand). Cytogenetic location: 3q12.3.
Variant type: single nucleotide variant.
Coding change: c.2912T>G on transcript NM_016247.4 (MANE Select); coding-DNA position 2912, T replaced by G.
Protein change: p.Val971Gly; replaces valine 971 with glycine.
Molecular consequence: missense variant.
Genome position (GRCh38, 1-based): chr3:101,242,798, A>C on the plus strand (T>G on the coding strand, the complement: IMPG2 is on the minus strand). VCF-style: chr3-101242798-A-C. GRCh37 (hg19) VCF-style: chr3-100961642-A-C.
Other names: short protein forms V971G.
Identifiers: ClinVar variation 2032139 (VCV002032139.4), dbSNP rs929009017, ClinGen allele CA79721065.

ClinVar aggregate classification (germline): Uncertain significance (1 of 4 stars; one submission).

gnomAD v4.1: 1 of 1,614,018 alleles (0.000062%); highest among the groups gnomAD compares: Non-Finnish European, 0.000085%; no homozygotes.

Submission:

Labcorp Genetics (formerly Invitae), Labcorp
Classification: Uncertain significance. Last evaluated: 2022-01-12. Review status: criteria provided, single submitter. Criteria: Invitae Variant Classification Sherloc (09022015). Collection method: clinical testing. Allele origin: germline.
Comment: In summary, the available evidence is currently insufficient to determine the role of this variant in disease. Therefore, it has been classified as a Variant of Uncertain Significance. Algorithms developed to predict the effect of missense changes on protein structure and function are either unavailable or do not agree on the potential impact of this missense change (SIFT: "Deleterious"; PolyPhen-2: "Probably Damaging"; Align-GVGD: "Class C0"). This variant has not been reported in the literature in individuals affected with IMPG2-related conditions. This variant is not present in population databases (gnomAD no frequency). This sequence change replaces valine, which is neutral and non-polar, with glycine, which is neutral and non-polar, at codon 971 of the IMPG2 protein (p.Val971Gly).